The following is an entry in ClinVar:

NM_001015048.3(BAG5):c.1168C>T (p.Arg390Ter)

Gene: BAG5 (BAG cochaperone 5; minus strand). Cytogenetic location: 14q32.33.
Variant type: single nucleotide variant.
Coding change: c.1168C>T on transcript NM_001015048.3 (MANE Select); coding-DNA position 1168, C replaced by T.
Protein change: p.Arg390Ter; replaces arginine 390 with a stop codon.
Molecular consequence: nonsense.
Genome position (GRCh38, 1-based): chr14:103,559,997, G>A on the plus strand (C>T on the coding strand, the complement: BAG5 is on the minus strand). VCF-style: chr14-103559997-G-A. GRCh37 (hg19) VCF-style: chr14-104026334-G-A.
Other names: R390*; p.Arg390*; c.1168C>T, p.Arg390Ter (NM_001015049.5, NM_004873.4).
Identifiers: ClinVar variation 1341488 (VCV001341488.4), dbSNP rs182208325, ClinGen allele CA267231388.
Genomic context (GRCh38, chr14:103,559,997, plus strand): 5'-CCAGGGCTAGCAGCTGCTTGGTGAGCAGCTCTTCCAGCCGGATGTAGTTCTTATCGGTTC[G>A]ATTTCCATCAAATGAAAGAACTTCTCCCTGGATCTCAGACAAGTTTCCAAGGACGTTCCA-3'

ClinVar aggregate classification (germline): Likely pathogenic. Review status: criteria provided, single submitter (1 of 4 stars). 2 submissions from 2 submitters: Likely pathogenic (1). 1 of the submissions does not count toward it. Last evaluated 2025-07-17.

Conditions:
Cardiomyopathy, dilated, 2F (CMD2F). Identifiers: MedGen C5676917, MONDO:0030680, OMIM 619747.

gnomAD v4.1: 7 of 1,614,138 alleles (0.00043%); highest among the groups gnomAD compares: East Asian, 0.0022%; no homozygotes.

Submissions (2):

Department of Molecular Genetics, Istishari Arab Hospital
Classification: Likely pathogenic for Cardiomyopathy, dilated, 2F. Last evaluated: 2025-07-17. Review status: criteria provided, single submitter. Criteria: ACMG Guidelines, 2015. Collection method: clinical testing. Allele origin: germline. Inheritance: Autosomal recessive inheritance. Affected: yes.
Comment: The BAG5 variant c.1168C>T creates a premature stop codon at position 390. This variant has previously been described as disease causing for dilated cardiomyopathy (PMID: 35044787). It is classified as likely pathogenic (class 2) according to the recommendations of ACMG/AMP/ClinGen SVI guidelines.

OMIM
Classification: Pathogenic for CARDIOMYOPATHY, DILATED, 2F. Last evaluated: 2023-03-28. Review status: no assertion criteria provided. Collection method: literature only. Allele origin: germline. Not counted in ClinVar's aggregate classification.

Literature cited by the submitters: PubMed 35044787 (cited by Department of Molecular Genetics, Istishari Arab Hospital and OMIM).